The following is an entry in ClinVar:

ClinVar aggregate classification (germline): Uncertain significance. Review status: criteria provided, multiple submitters, no conflicts (2 of 4 stars). 2 submissions from 2 submitters: Uncertain significance (2). Last evaluated 2025-07-31.

Conditions:
Primary ciliary dyskinesia. Also called: Ciliary dyskinesia. Identifiers: Orphanet 244, MedGen C0008780, MONDO:0016575, HP:0012265.

Allele frequency attached by ClinVar (database versions not stated): ExAC 0.00001; gnomAD exomes 0.00001; TOPMed 0.00001.
gnomAD v4.1: 22 of 1,614,178 alleles (0.0014%); highest among the groups gnomAD compares: East Asian, 0.0022%; no homozygotes.

Submissions (2):

Ambry Genetics
Classification: Uncertain significance for Primary ciliary dyskinesia. Last evaluated: 2025-07-31. Review status: criteria provided, single submitter. Criteria: Ambry Variant Classification Scheme 2023. Collection method: clinical testing. Allele origin: germline.

Labcorp Genetics (formerly Invitae), Labcorp
Classification: Uncertain significance for Primary ciliary dyskinesia. Last evaluated: 2023-10-22. Review status: criteria provided, single submitter. Criteria: Invitae Variant Classification Sherloc (09022015). Collection method: clinical testing. Allele origin: germline.
Comment: This sequence change replaces proline, which is neutral and non-polar, with arginine, which is basic and polar, at codon 642 of the DNAI1 protein (p.Pro642Arg). This variant is present in population databases (rs781530640, gnomAD 0.0009%). This variant has not been reported in the literature in individuals affected with DNAI1-related conditions. Advanced modeling of protein sequence and biophysical properties (such as structural, functional, and spatial information, amino acid conservation, physicochemical variation, residue mobility, and thermodynamic stability) has been performed at Invitae for this missense variant, however the output from this modeling did not meet the statistical confidence thresholds required to predict the impact of this variant on DNAI1 protein function. In summary, the available evidence is currently insufficient to determine the role of this variant in disease. Therefore, it has been classified as a Variant of Uncertain Significance.

NM_012144.4(DNAI1):c.1925C>G (p.Pro642Arg)

Gene: DNAI1 (dynein axonemal intermediate chain 1; plus strand). Cytogenetic location: 9p13.3.
Variant type: single nucleotide variant.
Coding change: c.1925C>G on transcript NM_012144.4 (MANE Select); coding-DNA position 1925, C replaced by G.
Protein change: p.Pro642Arg; replaces proline 642 with arginine.
Molecular consequence: missense variant.
Genome position (GRCh38, 1-based): chr9:34,517,391, C>G. VCF-style: chr9-34517391-C-G. GRCh37 (hg19) VCF-style: chr9-34517389-C-G.
Other names: c.1925C>G (NM_012144.2); c.1937C>G, p.Pro646Arg (NM_001281428.2); short protein forms P642R, P646R.
Identifiers: ClinVar variation 2738677 (VCV002738677.3), dbSNP rs781530640, ClinGen allele CA5034582.
Genomic context (GRCh38, chr9:34,517,391, plus strand): 5'-ACCAGCCTGTGGCGGCCAAAAAGAACAGGCTCACCCACGTGCAGTTCAATCTCATCCACC[C>G]CATCATCATTGTGGGCGATGACCGTGGGCACATCATCAGCCTCAAGCTCTCACCCAATTT-3'
Protein context (NP_036276.1, residues 632-652): LTHVQFNLIH[Pro642Arg]IIIVGDDRGH